The following is an entry in ClinVar:

NM_000550.3(TYRP1):c.1262-1_1264dup

Genes: LURAP1L-AS1 (LURAP1L antisense RNA 1; minus strand), TYRP1 (tyrosinase related protein 1; plus strand). Cytogenetic location: 9p23.
Variant type: Duplication.
Coding change: c.1262-1_1264dup on transcript NM_000550.3 (MANE Select); the canonical splice acceptor site of the intron before coding-DNA position 1262 through coding-DNA position 1264, 4 bases duplicated (GATA; older notation c.1262-1_1264dupGATA).
Molecular consequence: splice acceptor variant.
Genome position (GRCh38, 1-based): chr9:12,707,996-12,707,999, GATA duplicated; duplicating any 4 consecutive bases within chr9:12,707,994-12,707,999 gives the same sequence; the c. name uses the placement nearest the transcript's 3' end. VCF-style (leftmost placement, unchanged base first): chr9-12707993-T-TTAGA. GRCh37 (hg19) VCF-style: chr9-12707993-T-TTAGA.
Other names: c.1262-1_1264dupGATA (NM_000550.3).
Identifiers: ClinVar variation 1422257 (VCV001422257.3), dbSNP rs1265919827, ClinGen allele CA586637148.
Genomic context (GRCh38, chr9:12,707,993, plus strand): 5'-TCAATAATGATAGGAATATTAATTTTATTATGTTTATTAATACGTTGTCTTTGGAATAAT[T>TTAGA]TAGATATATCCACATTTCCATTGGAAAATGCCCCTATTGGACATAATAGACAATACAACA-3'

ClinVar aggregate classification (germline): Conflicting classifications of pathogenicity. Review status: criteria provided, conflicting classifications (1 of 4 stars). 2 submissions from 2 submitters: Pathogenic (1); Uncertain significance (1). Last evaluated 2025-05-22.

Conditions:
Oculocutaneous albinism type 3 (OCA3). Also called: ALBINISM III; Rufous OCA; Rufous albinism; RUFOUS OCULOCUTANEOUS ALBINISM; XANTHISM; Albinism, oculocutaneous, type III. Identifiers: Orphanet 79433, MedGen C0342683, MONDO:0008747, OMIM 203290.

Submissions (2):

Variantyx, Inc.
Classification: Pathogenic for Oculocutaneous albinism type 3. Last evaluated: 2025-05-22. Review status: criteria provided, single submitter. Criteria: Variantyx Assertion Criteria 2022. Collection method: clinical testing. Allele origin: germline. Inheritance: Autosomal recessive inheritance. Affected: yes.
Comment: This is a frameshift variant in the TYRP1 gene (OMIM: 115501). Pathogenic variants in this gene have been associated with autosomal recessive oculocutaneous albinism type 3. This variant introduces a premature termination codon in exon 7 out of 8 and is expected to result in loss of function, which is a known disease mechanism for TYRP1 in this disorder (PMID: 8651291, 9345097) (PVS1). This variant has been identified in the homozygous or compound heterozygous state in the current proband and in previous internal cases (PM3) and has a 0.0025% maximum allele frequency in non-founder control populations (PM2). Based on the current evidence, this variant is classified as pathogenic for autosomal recessive oculocutaneous albinism type 3.

Labcorp Genetics (formerly Invitae), Labcorp
Classification: Uncertain significance. Last evaluated: 2022-06-27. Review status: criteria provided, single submitter. Criteria: Invitae Variant Classification Sherloc (09022015). Collection method: clinical testing. Allele origin: germline.
Comment: This sequence change falls in intron 6 of the TYRP1 gene. It does not directly change the encoded amino acid sequence of the TYRP1 protein. This variant is present in population databases (no rsID available, gnomAD 0.006%). This variant has not been reported in the literature in individuals affected with TYRP1-related conditions. This variant is also known as p.Ile422Argfs*15. Experimental studies and prediction algorithms are not available or were not evaluated, and the functional significance of this variant is currently unknown. Algorithms developed to predict the effect of sequence changes on RNA splicing suggest that this variant may disrupt the consensus splice site. In summary, the available evidence is currently insufficient to determine the role of this variant in disease. Therefore, it has been classified as a Variant of Uncertain Significance.

Literature cited by the submitters: PubMed 9345097 (cited by Variantyx, Inc.).